The following is an entry in ClinVar:

ClinVar aggregate classification (germline): Uncertain significance. Review status: criteria provided, multiple submitters, no conflicts (2 of 4 stars). 2 submissions from 2 submitters: Uncertain significance (2). Last evaluated 2021-11-09.

Conditions:
Inborn genetic diseases. Identifiers: MedGen C0950123, MeSH D030342.

gnomAD v4.1: 20 of 1,600,272 alleles (0.0012%); highest among the groups gnomAD compares: South Asian, 0.019%; 1 homozygote.

Submissions (2):

Ambry Genetics
Classification: Uncertain significance for Inborn genetic diseases. Last evaluated: 2021-11-09. Review status: criteria provided, single submitter. Criteria: Ambry Variant Classification Scheme 2023. Collection method: clinical testing. Allele origin: germline.

GeneDx
Classification: Uncertain significance. Last evaluated: 2019-09-09. Review status: criteria provided, single submitter. Criteria: GeneDx Variant Classification Process June 2021. Collection method: clinical testing. Allele origin: germline. Affected: yes.
Comment: Not observed at a significant frequency in large population cohorts (Lek et al., 2016); In silico analysis, which includes protein predictors and evolutionary conservation, supports that this variant does not alter protein structure/function; Has not been previously published as pathogenic or benign to our knowledge

NM_022095.4(ZNF335):c.52C>T (p.Arg18Trp)

Gene: ZNF335 (zinc finger protein 335; minus strand). Cytogenetic location: 20q13.12.
Variant type: single nucleotide variant.
Coding change: c.52C>T on transcript NM_022095.4 (MANE Select); coding-DNA position 52, C replaced by T.
Protein change: p.Arg18Trp; replaces arginine 18 with tryptophan.
Molecular consequence: missense variant.
Genome position (GRCh38, 1-based): chr20:45,971,359, G>A on the plus strand (C>T on the coding strand, the complement: ZNF335 is on the minus strand). VCF-style: chr20-45971359-G-A. GRCh37 (hg19) VCF-style: chr20-44599998-G-A.
Other names: short protein forms R18W.
Identifiers: ClinVar variation 1312109 (VCV001312109.4), dbSNP rs750476501, ClinGen allele CA9886226.
Genomic context (GRCh38, chr20:45,971,359, plus strand): 5'-CGGCGGACACGGCTTCTGAGGTGCCCACACCCAGGCCGCTCTCAGAGGGCTCCTCGGGCC[G>A]GCCAGGCCCAGGGGCCGCGTCGCTGCTGCTCTCCACCTCGTTCTCCTCCATCTGATCGGC-3'
Protein context (NP_071378.1, residues 8-28): SSSDAAPGPG[Arg18Trp]PEEPSESGLG